The following is an entry in ClinVar:

ClinVar aggregate classification (germline): Uncertain significance (1 of 4 stars; one submission).

Conditions:
Epidermolysis bullosa simplex 3, localized or generalized intermediate, with BP230 deficiency (EBS3). Also called: Epidermolysis bullosa simplex due to BP230 deficiency; Epidermolysis bullosa simplex, autosomal recessive 2. Identifiers: Orphanet 412181, MedGen C3809470, MONDO:0014180, OMIM 615425.
Hereditary sensory and autonomic neuropathy type 6. Also called: HSAN VI; Neuropathy, hereditary sensory and autonomic, type VI. Identifiers: Orphanet 314381, MedGen C3539003, MONDO:0013839, OMIM 614653.

Allele frequency attached by ClinVar (database versions not stated): TOPMed below 0.00001.
gnomAD v4.1: 28 of 1,613,886 alleles (0.0017%); highest among the groups gnomAD compares: Non-Finnish European, 0.0024%; no homozygotes.

Submission:

Labcorp Genetics (formerly Invitae), Labcorp
Classification: Uncertain significance for Epidermolysis bullosa simplex 3, localized or generalized intermediate, with BP230 deficiency; Hereditary sensory and autonomic neuropathy type 6. Last evaluated: 2022-09-07. Review status: criteria provided, single submitter. Criteria: Invitae Variant Classification Sherloc (09022015). Collection method: clinical testing. Allele origin: germline.
Comment: This sequence change replaces glutamic acid, which is acidic and polar, with aspartic acid, which is acidic and polar, at codon 385 of the DST protein (p.Glu385Asp). In summary, the available evidence is currently insufficient to determine the role of this variant in disease. Therefore, it has been classified as a Variant of Uncertain Significance. Algorithms developed to predict the effect of missense changes on protein structure and function (SIFT, PolyPhen-2, Align-GVGD) all suggest that this variant is likely to be disruptive. ClinVar contains an entry for this variant (Variation ID: 856605). This variant has not been reported in the literature in individuals affected with DST-related conditions. This variant is not present in population databases (gnomAD no frequency).

NM_001374736.1(DST):c.2766A>C (p.Glu922Asp)

Gene: DST (dystonin; minus strand). Cytogenetic location: 6p12.1.
Variant type: single nucleotide variant.
Coding change: c.2766A>C on transcript NM_001374736.1 (MANE Select); coding-DNA position 2766, A replaced by C.
Protein change: p.Glu922Asp; replaces glutamic acid 922 with aspartic acid.
Molecular consequence: missense variant.
Genome position (GRCh38, 1-based): chr6:56,639,543, T>G on the plus strand (A>C on the coding strand, the complement: DST is on the minus strand). VCF-style: chr6-56639543-T-G. GRCh37 (hg19) VCF-style: chr6-56504341-T-G.
Other names: c.2667A>C, p.Glu889Asp (NM_001144769.5); c.2253A>C, p.Glu751Asp (NM_001144770.2); c.2766A>C, p.Glu922Asp (NM_001374722.1); c.2133A>C, p.Glu711Asp (NM_001374729.1, NM_001374730.1, NM_001386100.1 and 1 more transcripts); c.2793A>C, p.Glu931Asp (NM_001374734.1); c.1155A>C, p.Glu385Asp (NM_001723.7, NM_015548.5); short protein forms E931D, E751D, E385D, E711D, E889D, E922D.
Identifiers: ClinVar variation 856605 (VCV000856605.8), dbSNP rs2098865049, ClinGen allele CA364577548.